The following is an entry in ClinVar:

ClinVar aggregate classification (germline): Uncertain significance (1 of 4 stars; one submission).

Allele frequency attached by ClinVar (database versions not stated): gnomAD exomes 0.00002; ExAC 0.00003.
gnomAD v4.1: 48 of 1,613,644 alleles (0.003%); highest among the groups gnomAD compares: African/African-American, 0.017%; no homozygotes.

Submission:

Labcorp Genetics (formerly Invitae), Labcorp
Classification: Uncertain significance. Last evaluated: 2022-09-03. Review status: criteria provided, single submitter. Criteria: Invitae Variant Classification Sherloc (09022015). Collection method: clinical testing. Allele origin: germline.
Comment: This sequence change replaces arginine, which is basic and polar, with tryptophan, which is neutral and slightly polar, at codon 1174 of the ABCA3 protein (p.Arg1174Trp). This variant is present in population databases (rs112168649, gnomAD 0.01%). This variant has not been reported in the literature in individuals affected with ABCA3-related conditions. Algorithms developed to predict the effect of missense changes on protein structure and function output the following: SIFT: "Deleterious"; PolyPhen-2: "Benign"; Align-GVGD: "Class C0". The tryptophan amino acid residue is found in multiple mammalian species, which suggests that this missense change does not adversely affect protein function. In summary, the available evidence is currently insufficient to determine the role of this variant in disease. Therefore, it has been classified as a Variant of Uncertain Significance.

NM_001089.3(ABCA3):c.3520C>T (p.Arg1174Trp)

Gene: ABCA3 (ATP binding cassette subfamily A member 3; minus strand). Cytogenetic location: 16p13.3.
Variant type: single nucleotide variant.
Coding change: c.3520C>T on transcript NM_001089.3 (MANE Select); coding-DNA position 3520, C replaced by T.
Protein change: p.Arg1174Trp; replaces arginine 1174 with tryptophan.
Molecular consequence: missense variant.
Genome position (GRCh38, 1-based): chr16:2,284,962, G>A on the plus strand (C>T on the coding strand, the complement: ABCA3 is on the minus strand). VCF-style: chr16-2284962-G-A. GRCh37 (hg19) VCF-style: chr16-2334963-G-A.
Other names: short protein forms R1174W.
Identifiers: ClinVar variation 2054826 (VCV002054826.1), dbSNP rs112168649, ClinGen allele CA7840471.